The following is an entry in ClinVar:

ClinVar aggregate classification (germline): Conflicting classifications of pathogenicity. Review status: criteria provided, conflicting classifications (1 of 4 stars). 4 submissions from 4 submitters: Uncertain significance (3); Likely benign (1). Last evaluated 2025-07-30.

Conditions:
Juvenile polyposis syndrome (JPS). Identifiers: Orphanet 2929, MedGen C0345893, MONDO:0017380, OMIM 174900.
Hereditary cancer-predisposing syndrome. Also called: Tumor predisposition; Hereditary Cancer Syndrome; Neoplastic Syndromes, Hereditary; Hereditary neoplastic syndrome. Identifiers: Orphanet 140162, MedGen C0027672, MeSH D009386, MONDO:0015356.
Polyposis syndrome, hereditary mixed, 2. Identifiers: Orphanet 157794, MedGen C1864730, MONDO:0012405, OMIM 610069.

Allele frequency attached by ClinVar (database versions not stated): TOPMed below 0.00001; gnomAD exomes 0.00001.
gnomAD v4.1: 3 of 1,613,662 alleles (0.00019%); highest among the groups gnomAD compares: Non-Finnish European, 0.00025%; no homozygotes.

Submissions (4):

Labcorp Genetics (formerly Invitae), Labcorp
Classification: Uncertain significance for Juvenile polyposis syndrome. Last evaluated: 2025-07-30. Review status: criteria provided, single submitter. Criteria: Invitae Variant Classification Sherloc (09022015). Collection method: clinical testing. Allele origin: germline.
Comment: This sequence change replaces methionine, which is neutral and non-polar, with valine, which is neutral and non-polar, at codon 35 of the BMPR1A protein (p.Met35Val). This variant is not present in population databases (gnomAD no frequency). This variant has not been reported in the literature in individuals affected with BMPR1A-related conditions. ClinVar contains an entry for this variant (Variation ID: 1016290). Invitae Evidence Modeling incorporating data from in vitro experimental studies (internal data) indicates that this missense variant is not expected to disrupt BMPR1A function with a negative predictive value of 95%. In summary, the available evidence is currently insufficient to determine the role of this variant in disease. Therefore, it has been classified as a Variant of Uncertain Significance.

Ambry Genetics
Classification: Likely benign for Hereditary cancer-predisposing syndrome. Last evaluated: 2024-01-09. Review status: criteria provided, single submitter. Criteria: Ambry Variant Classification Scheme 2023. Collection method: clinical testing. Allele origin: germline.

Baylor Genetics
Classification: Uncertain significance for Polyposis syndrome, hereditary mixed, 2. Last evaluated: 2023-12-06. Review status: criteria provided, single submitter. Criteria: ACMG Guidelines, 2015. Collection method: clinical testing. Allele origin: unknown.

Color Diagnostics, LLC DBA Color Health
Classification: Uncertain significance for Hereditary cancer-predisposing syndrome. Last evaluated: 2021-11-01. Review status: criteria provided, single submitter. Criteria: ACMG Guidelines, 2015. Collection method: clinical testing. Allele origin: germline.
Comment: This missense variant replaces methionine with valine at codon 35 of the BMPR1A protein. Computational prediction suggests that this variant may not impact protein structure and function (internally defined REVEL score threshold <= 0.5, PMID: 27666373). To our knowledge, functional studies have not been reported for this variant. This variant has not been reported in individuals affected with hereditary cancer in the literature. This variant has not been identified in the general population by the Genome Aggregation Database (gnomAD). The available evidence is insufficient to determine the role of this variant in disease conclusively. Therefore, this variant is classified as a Variant of Uncertain Significance.

NM_004329.3(BMPR1A):c.103A>G (p.Met35Val)

Gene: BMPR1A (bone morphogenetic protein receptor type 1A; plus strand). Cytogenetic location: 10q23.2.
Variant type: single nucleotide variant.
Coding change: c.103A>G on transcript NM_004329.3 (MANE Select); coding-DNA position 103, A replaced by G.
Protein change: p.Met35Val; replaces methionine 35 with valine.
Molecular consequence: missense variant.
Genome position (GRCh38, 1-based): chr10:86,890,097, A>G. VCF-style: chr10-86890097-A-G. GRCh37 (hg19) VCF-style: chr10-88649854-A-G.
Other names: short protein forms M35V.
Identifiers: ClinVar variation 1016290 (VCV001016290.12), dbSNP rs1043850286, ClinGen allele CA211182728.